The following is an entry in ClinVar:

ClinVar aggregate classification (germline): Uncertain significance (1 of 4 stars; one submission).

Conditions:
RP1L1-related disorder. Also called: RP1L1-related condition.

Submission:

PreventionGenetics, part of Exact Sciences
Classification: Uncertain significance for RP1L1-related condition. Last evaluated: 2025-06-30. Review status: criteria provided, single submitter. Criteria: ACMG Guidelines, 2015. Collection method: clinical testing. Allele origin: germline.
Comment: The RP1L1 c.917G>A variant is predicted to result in the amino acid substitution p.Gly306Asp. To our knowledge, this variant has not been reported in the literature or in a large population database (gnomAD), indicating this variant is rare. At this time, the clinical significance of this variant is uncertain due to the absence of conclusive functional and genetic evidence.

NM_178857.6(RP1L1):c.917G>A (p.Gly306Asp)

Gene: RP1L1 (RP1 like 1). Cytogenetic location: 8p23.1.
Variant type: single nucleotide variant.
Coding change: c.917G>A on transcript NM_178857.6 (MANE Select); coding-DNA position 917, G replaced by A.
Protein change: p.Gly306Asp; replaces glycine 306 with aspartic acid.
Molecular consequence: missense variant.
Genome position (GRCh38, 1-based): chr8:10,613,181, C>T on the plus strand (G>A on the coding strand, the complement: RP1L1 is on the minus strand). VCF-style: chr8-10613181-C-T. GRCh37 (hg19) VCF-style: chr8-10470691-C-T.
Other names: short protein forms G306D.
Identifiers: ClinVar variation 4985345 (VCV004985345.1).
Genomic context (GRCh38, chr8:10,613,181, plus strand): 5'-TTCATCTCCACGGACAGGCTGCCGTCCTCATTCATGCGGACCTTCTTCTTCATGTCATCG[C>T]CAGCCACCAGCGGGCCCGACTGAGCTGGCGTGTCCTGAGGGTGCCTGCCAGGAGCAGGGC-3'
Protein context (NP_849188.4, residues 296-316): TPAQSGPLVA[Gly306Asp]DDMKKKVRMN